The following is an entry in ClinVar:

NM_001367561.1(DOCK7):c.2480G>A (p.Arg827Gln)

Gene: DOCK7 (dedicator of cytokinesis 7; minus strand). Cytogenetic location: 1p31.3.
Variant type: single nucleotide variant.
Coding change: c.2480G>A on transcript NM_001367561.1 (MANE Select); coding-DNA position 2480, G replaced by A.
Protein change: p.Arg827Gln; replaces arginine 827 with glutamine.
Molecular consequence: missense variant.
Genome position (GRCh38, 1-based): chr1:62,555,941, C>T on the plus strand (G>A on the coding strand, the complement: DOCK7 is on the minus strand). VCF-style: chr1-62555941-C-T. GRCh37 (hg19) VCF-style: chr1-63021612-C-T.
Other names: c.2480G>A, p.Arg827Gln (NM_001271999.2, NM_001272000.2, NM_001272001.2 and 2 more transcripts); short protein forms R827Q.
Identifiers: ClinVar variation 2417125 (VCV002417125.8), dbSNP rs78144896, ClinGen allele CA886257.
Genomic context (GRCh38, chr1:62,555,941, plus strand): 5'-GATGCAAGAAGGCTGTTTCTGCCATGCTGGTCATGATTTCCTTCCAAGTTTTTGTGAAGT[C>T]GATTTATAATTGATGCCATGGCTTCAAAAGATGCTTGACCTAGGTTAACTTTTAAGAAAG-3'
Protein context (NP_001354490.1, residues 817-837): SFEAMASIIN[Arg827Gln]LHKNLEGNHD

ClinVar aggregate classification (germline): Uncertain significance (1 of 4 stars; one submission).

Conditions:
Developmental and epileptic encephalopathy, 23 (DEE23). Also called: Epileptic encephalopathy, early infantile, 23. Identifiers: Orphanet 411986, MedGen C4014492, MONDO:0014371, OMIM 615859.

Allele frequency attached by ClinVar (database versions not stated): ExAC 0.00001; gnomAD exomes 0.00001; TOPMed 0.00001.
gnomAD v4.1: 3 of 1,613,730 alleles (0.00019%); highest among the groups gnomAD compares: Non-Finnish European, 0.00025%; no homozygotes.

Submission:

Labcorp Genetics (formerly Invitae), Labcorp
Classification: Uncertain significance for Developmental and epileptic encephalopathy, 23. Last evaluated: 2022-04-20. Review status: criteria provided, single submitter. Criteria: Invitae Variant Classification Sherloc (09022015). Collection method: clinical testing. Allele origin: germline.
Comment: Algorithms developed to predict the effect of missense changes on protein structure and function (SIFT, PolyPhen-2, Align-GVGD) all suggest that this variant is likely to be tolerated. This variant has not been reported in the literature in individuals affected with DOCK7-related conditions. This variant is present in population databases (rs78144896, gnomAD 0.0009%). This sequence change replaces arginine, which is basic and polar, with glutamine, which is neutral and polar, at codon 827 of the DOCK7 protein (p.Arg827Gln). In summary, the available evidence is currently insufficient to determine the role of this variant in disease. Therefore, it has been classified as a Variant of Uncertain Significance.